The following is an entry in ClinVar:

NM_002198.3(IRF1):c.555A>G (p.Pro185=)

Genes: IRF1 (interferon regulatory factor 1; minus strand), LOC126807508 (CDK7 strongly-dependent group 2 enhancer GRCh37_chr5:131821689-131822888; plus strand). Cytogenetic location: 5q31.1.
Variant type: single nucleotide variant.
Coding change: c.555A>G on transcript NM_002198.3 (MANE Select); coding-DNA position 555, A replaced by G.
Protein change: p.Pro185=; no amino-acid change (proline 185 retained).
Molecular consequence: synonymous variant. On other transcripts: intron variant (1).
Genome position (GRCh38, 1-based): chr5:132,486,363, T>C on the plus strand (A>G on the coding strand, the complement: IRF1 is on the minus strand). VCF-style: chr5-132486363-T-C. GRCh37 (hg19) VCF-style: chr5-131822055-T-C.
Other names: c.555A>G, p.Pro185= (NM_001354925.1); c.544+194A>G (NM_001354924.1).
Identifiers: ClinVar variation 2688380 (VCV002688380.2), dbSNP rs9282762, ClinGen allele CA3404533.

ClinVar aggregate classification (germline): Benign (1 of 4 stars; one submission).

Allele frequency attached by ClinVar (database versions not stated): gnomAD exomes 0.34095; ExAC 0.35410; gnomAD 0.38004; ESP Exome Variant Server 0.38167; TOPMed 0.38216; 1000 Genomes Project 30x 0.40334; 1000 Genomes Project 0.40655.

Submission:

Unidad de Genómica Garrahan, Hospital de Pediatría Garrahan
Classification: Benign. Last evaluated: 2024-01-24. Review status: criteria provided, single submitter. Criteria: ACMG Guidelines, 2015. Collection method: clinical testing. Allele origin: germline. Affected: no. Observed: 58 variant alleles.
Comment: This variant is classified as Benign based on local population frequency. This variant was detected in 66% of patients studied by a panel of primary immunodeficiencies. Number of patients: 58. Only high quality variants are reported.